The following is an entry in ClinVar:

NM_001267550.2(TTN):c.6052del (p.Leu2018fs)

Gene: TTN (titin; minus strand). Cytogenetic location: 2q31.2.
Variant type: Deletion.
Coding change: c.6052del on transcript NM_001267550.2 (MANE Select); coding-DNA position 6052, one base deleted (C; older notation c.6052delC).
Protein change: p.Leu2018fs; shifts the reading frame from leucine 2018.
Molecular consequence: frameshift variant.
Genome position (GRCh38, 1-based): chr2:178,775,812, G deleted on the plus strand (C on the coding strand, the reverse complement: TTN is on the minus strand). VCF-style (leftmost placement, unchanged base first): chr2-178775811-AG-A. GRCh37 (hg19) VCF-style: chr2-179640538-AG-A.
Other names: c.6052del, p.Leu2018fs (NM_001256850.1, NM_133378.4, NM_133379.5); c.5914del, p.Leu1972fs (NM_003319.4, NM_133432.3, NM_133437.4); short protein forms L1972fs, L2018fs.
Identifiers: ClinVar variation 3754359 (VCV003754359.2).

ClinVar aggregate classification (germline): Likely pathogenic (1 of 4 stars; one submission).

Conditions:
Autosomal recessive limb-girdle muscular dystrophy type 2J (LGMDR10). Also called: Limb-girdle muscular dystrophy, type 2J; MUSCULAR DYSTROPHY, LIMB-GIRDLE, AUTOSOMAL RECESSIVE 10. Identifiers: Orphanet 140922, MedGen C1837342, MONDO:0012127, OMIM 608807.
Dilated cardiomyopathy 1G (CMD1G). Identifiers: Orphanet 154, MedGen C1858763, MONDO:0011400, OMIM 604145.

Submission:

Labcorp Genetics (formerly Invitae), Labcorp
Classification: Likely pathogenic for Dilated cardiomyopathy 1G; Autosomal recessive limb-girdle muscular dystrophy type 2J. Last evaluated: 2024-02-02. Review status: criteria provided, single submitter. Criteria: Invitae Variant Classification Sherloc (09022015). Collection method: clinical testing. Allele origin: germline.
Comment: This sequence change creates a premature translational stop signal (p.Leu2018Serfs*28) in the TTN gene. While this is not anticipated to result in nonsense mediated decay, it is expected to create a truncated TTN protein. This variant is not present in population databases (gnomAD no frequency). This variant has not been reported in the literature in individuals affected with TTN-related conditions. This variant is located in the Z band of TTN (PMID: 25589632). Truncating variants in this region have been reported in individuals affected with autosomal recessive centronuclear myopathy (PMID: 33449170, Invitae internal data). Truncating variants in this region have also been identified in individuals affected with autosomal dominant dilated cardiomyopathy and/or cardio-related conditions (PMID: 27869827, 32964742, Invitae internal data). In summary, the currently available evidence indicates that the variant is pathogenic, but additional data are needed to prove that conclusively. Therefore, this variant has been classified as Likely Pathogenic.

Literature cited by the submitters: PubMed 25589632; PubMed 33449170; PubMed 27869827; PubMed 32964742.